The following is an entry in ClinVar:

ClinVar aggregate classification (germline): Likely benign. Review status: reviewed by expert panel (3 of 4 stars). 6 submissions from 6 submitters: Likely benign (1). 5 of the submissions do not count toward it. Last evaluated 2017-06-29.

Conditions:
Hereditary cancer-predisposing syndrome. Also called: Hereditary Cancer Syndrome; Neoplastic Syndromes, Hereditary; Tumor predisposition; Hereditary neoplastic syndrome. Identifiers: Orphanet 140162, MedGen C0027672, MeSH D009386, MONDO:0015356.
Breast-ovarian cancer, familial, susceptibility to, 2 (BROVCA2). Also called: BRCA2 Hereditary Breast and Ovarian Cancer. Identifiers: Orphanet 145, MedGen C2675520, MONDO:0012933, OMIM 612555. Disease mechanism: loss of function.
Hereditary breast ovarian cancer syndrome. Also called: Hereditary breast and/or ovarian cancer syndrome; BRCA1- and BRCA2-Associated Hereditary Breast and Ovarian Cancer; Hereditary breast and ovarian cancer syndrome (HBOC); Hereditary breast and ovarian cancer; Hereditary breast and ovarian cancer syndrome; Breast and ovarian cancer. Identifiers: Orphanet 145, MedGen C0677776, MeSH D061325, MONDO:0003582. Disease mechanism: loss of function.

Allele frequency attached by ClinVar (database versions not stated): gnomAD exomes below 0.00001; TOPMed below 0.00001; ExAC 0.00001; gnomAD 0.00001.
gnomAD v4.1: 3 of 1,612,496 alleles (0.00019%); highest among the groups gnomAD compares: Non-Finnish European, 0.00025%; no homozygotes.

Submissions (6):

Evidence-based Network for the Interpretation of Germline Mutant Alleles (ENIGMA)
Classification: Likely benign for Breast-ovarian cancer, familial, susceptibility to, 2. Last evaluated: 2017-06-29. Review status: reviewed by expert panel. Criteria: ENIGMA BRCA1/2 Classification Criteria (2017-06-29). Collection method: curation. Allele origin: germline.
Comment: Synonymous substitution variant, with low bioinformatic likelihood to result in a splicing aberration (Splicing prior probability 0.02).

Labcorp Genetics (formerly Invitae), Labcorp
Classification: Likely benign for Hereditary breast ovarian cancer syndrome. Last evaluated: 2025-08-24. Review status: criteria provided, single submitter. Criteria: Invitae Variant Classification Sherloc (09022015). Collection method: clinical testing. Allele origin: germline. Not counted in ClinVar's aggregate classification.

All of Us Research Program, National Institutes of Health
Classification: Likely benign for Breast-ovarian cancer, familial, susceptibility to, 2. Last evaluated: 2023-08-15. Review status: criteria provided, single submitter. Criteria: ACMG Guidelines, 2015. Collection method: clinical testing. Allele origin: germline. Inheritance: Autosomal dominant inheritance. Observed: 2 variant alleles, 2 heterozygotes. Not counted in ClinVar's aggregate classification.
Comment: This study involves interpretation of variants in research participants for the purpose of population health screening. Participant phenotype was not available at the time of variant classification. Additional details can be found in publication PMID: 35346344, PMCID: PMC8962531

Color Diagnostics, LLC DBA Color Health
Classification: Likely benign for Hereditary cancer-predisposing syndrome. Last evaluated: 2015-08-04. Review status: criteria provided, single submitter. Criteria: ACMG Guidelines, 2015. Collection method: clinical testing. Allele origin: germline. Not counted in ClinVar's aggregate classification.

Ambry Genetics
Classification: Likely benign for Hereditary cancer-predisposing syndrome. Last evaluated: 2015-01-16. Review status: criteria provided, single submitter. Criteria: Ambry Variant Classification Scheme 2023. Collection method: clinical testing. Allele origin: germline. Not counted in ClinVar's aggregate classification.

Department of Pathology and Laboratory Medicine, Sinai Health System
Classification: Likely benign. Review status: no assertion criteria provided. Collection method: clinical testing. Allele origin: unknown. Affected: yes. Observed: 1 variant allele. Study: The Canadian Open Genetics Repository (COGR). Not counted in ClinVar's aggregate classification.
Comment: The BRCA2 p.Pro983Pro variant is not expected to have clinical significance because it does not result in a change of amino acid and is not located in a known consensus splice site. This variant was not identified in the literature, nor was it identified in the dbSNP, Exome Variant Server, HGMD, UMD, BIC or LOVD databases. In summary, based on the above information, the clinical significance of this variant cannot be determined with certainty at this time although we would lean towards a more benign role for this variant. This variant is classified as predicted benign.

NM_000059.4(BRCA2):c.2949A>G (p.Pro983=)

Gene: BRCA2 (BRCA2 DNA repair associated; plus strand). Cytogenetic location: 13q13.1.
Variant type: single nucleotide variant.
Coding change: c.2949A>G on transcript NM_000059.4 (MANE Select); coding-DNA position 2949, A replaced by G.
Protein change: p.Pro983=; no amino-acid change (proline 983 retained).
Molecular consequence: synonymous variant.
Genome position (GRCh38, 1-based): chr13:32,337,304, A>G. VCF-style: chr13-32337304-A-G. GRCh37 (hg19) VCF-style: chr13-32911441-A-G.
Identifiers: ClinVar variation 229655 (VCV000229655.21), dbSNP rs762378787, ClinGen allele CA6940646.